The following is an entry in ClinVar:

NM_001447.3(FAT2):c.13031G>A (p.Cys4344Tyr)

Genes: FAT2 (FAT atypical cadherin 2; minus strand), SLC36A1 (solute carrier family 36 member 1; plus strand). Cytogenetic location: 5q33.1.
Variant type: single nucleotide variant.
Coding change: c.13031G>A on transcript NM_001447.3 (MANE Select); coding-DNA position 13031, G replaced by A.
Protein change: p.Cys4344Tyr; replaces cysteine 4344 with tyrosine.
Molecular consequence: missense variant.
Genome position (GRCh38, 1-based): chr5:151,505,584, C>T on the plus strand (G>A on the coding strand, the complement: FAT2 is on the minus strand). VCF-style: chr5-151505584-C-T. GRCh37 (hg19) VCF-style: chr5-150885145-C-T.
Other names: short protein forms C4344Y.
Identifiers: ClinVar variation 740184 (VCV000740184.5), dbSNP rs776323616, ClinGen allele CA3519616.
Genomic context (GRCh38, chr5:151,505,584, plus strand): 5'-AGTCCTTGGCCTCCCGCCTGCCTTGCTCTGGGAATGGGAAGCTAGAACATGACCTCCTCA[C>T]AGCTGCCATAATCACTCTCCACCATGTCAGAGCCCTCATAGTTGGGGGGCACCCGGGGCT-3'
Protein context (NP_001438.1, residues 4334-4349): SDMVESDYGS[Cys4344Tyr]EEVMF

ClinVar aggregate classification (germline): Likely benign. Review status: criteria provided, single submitter (1 of 4 stars). 2 submissions from 2 submitters: Likely benign (1). 1 of the submissions does not count toward it. Last evaluated 2018-04-07.

Conditions:
FAT2-related disorder. Also called: FAT2-related condition.

Allele frequency attached by ClinVar (database versions not stated): TOPMed below 0.00001; gnomAD 0.00001 and 0.00007; gnomAD exomes 0.00031; ExAC 0.00038.
gnomAD v4.1: 263 of 1,614,158 alleles (0.016%); highest among the groups gnomAD compares: South Asian, 0.28%; 3 homozygotes.

Submissions (2):

Labcorp Genetics (formerly Invitae), Labcorp
Classification: Likely benign. Last evaluated: 2018-04-07. Review status: criteria provided, single submitter. Criteria: Invitae Variant Classification Sherloc (09022015). Collection method: clinical testing. Allele origin: germline.

PreventionGenetics, part of Exact Sciences
Classification: Likely benign for FAT2-related condition. Last evaluated: 2019-06-19. Review status: no assertion criteria provided. Collection method: clinical testing. Allele origin: germline. Not counted in ClinVar's aggregate classification.
Comment: This variant is classified as likely benign based on ACMG/AMP sequence variant interpretation guidelines (Richards et al. 2015 PMID: 25741868, with internal and published modifications).